The following is an entry in ClinVar:

ClinVar aggregate classification (germline): Likely benign. Review status: criteria provided, multiple submitters, no conflicts (2 of 4 stars). 3 submissions from 3 submitters: Likely benign (3). Last evaluated 2025-12-26.

Conditions:
Propionic acidemia (PROP). Also called: GLYCINEMIA, KETOTIC; HYPERGLYCINEMIA WITH KETOACIDOSIS AND LEUKOPENIA; KETOTIC HYPERGLYCINEMIA. Identifiers: Orphanet 35, MedGen C0268579, MONDO:0011628, OMIM 606054, HP:0003571.

Allele frequency attached by ClinVar (database versions not stated): gnomAD 0.00001; 1000 Genomes Project 30x 0.00016; 1000 Genomes Project 0.00020.
gnomAD v4.1: 120 of 1,613,268 alleles (0.0074%); highest among the groups gnomAD compares: South Asian, 0.053%; 2 homozygotes.

Submissions (3):

Labcorp Genetics (formerly Invitae), Labcorp
Classification: Likely benign for Propionic acidemia. Last evaluated: 2025-12-26. Review status: criteria provided, single submitter. Criteria: Invitae Variant Classification Sherloc (09022015). Collection method: clinical testing. Allele origin: germline.

Mayo Clinic Laboratories, Mayo Clinic
Classification: Likely benign. Last evaluated: 2024-12-24. Review status: criteria provided, single submitter. Criteria: ACMG Guidelines, 2015. Collection method: clinical testing. Allele origin: germline. Observed: 2 variant alleles.
Comment: BP4, BP7

Blueprint Genetics
Classification: Likely benign. Last evaluated: 2024-07-18. Review status: criteria provided, single submitter. Criteria: ACMG Guidelines, 2015. Collection method: clinical testing. Allele origin: germline.

NM_000532.5(PCCB):c.612C>T (p.Ala204=)

Gene: PCCB (propionyl-CoA carboxylase subunit beta; plus strand). Cytogenetic location: 3q22.3.
Variant type: single nucleotide variant.
Coding change: c.612C>T on transcript NM_000532.5 (MANE Select); coding-DNA position 612, C replaced by T.
Protein change: p.Ala204=; no amino-acid change (alanine 204 retained).
Molecular consequence: synonymous variant.
Genome position (GRCh38, 1-based): chr3:136,283,905, C>T. VCF-style: chr3-136283905-C-T. GRCh37 (hg19) VCF-style: chr3-136002747-C-T.
Other names: p.Ala204=; c.672C>T, p.Ala224= (NM_001178014.2).
Identifiers: ClinVar variation 1149768 (VCV001149768.11), dbSNP rs201054265, ClinGen allele CA2631796.
Genomic context (GRCh38, chr3:136,283,905, plus strand): 5'-TACGGCATCCGGAGTCATCCCTCAGATTTCTCTGATCATGGGCCCATGTGCTGGTGGGGC[C>T]GTCTACTCCCCAGCCCTAACAGACTTCACGTTCATGGTAAAGGTAAGAAAGAAGGGCCTG-3'
Protein context (NP_000523.2, residues 194-214): SLIMGPCAGG[Ala204=]VYSPALTDFT